The following is an entry in ClinVar:

NM_006514.4(SCN10A):c.103A>C (p.Lys35Gln)

Gene: SCN10A (sodium voltage-gated channel alpha subunit 10; minus strand). Cytogenetic location: 3p22.2.
Variant type: single nucleotide variant.
Coding change: c.103A>C on transcript NM_006514.4 (MANE Select); coding-DNA position 103, A replaced by C.
Protein change: p.Lys35Gln; replaces lysine 35 with glutamine.
Molecular consequence: missense variant.
Genome position (GRCh38, 1-based): chr3:38,793,908, T>G on the plus strand (A>C on the coding strand, the complement: SCN10A is on the minus strand). VCF-style: chr3-38793908-T-G. GRCh37 (hg19) VCF-style: chr3-38835399-T-G.
Other names: c.103A>C, p.Lys35Gln (NM_001293306.2, NM_001293307.2); short protein forms K35Q.
Identifiers: ClinVar variation 4841933 (VCV004841933.1).

ClinVar aggregate classification (germline): Uncertain significance (1 of 4 stars; one submission).

Conditions:
Cardiovascular phenotype. Identifiers: MedGen CN230736.

Submission:

Ambry Genetics
Classification: Uncertain significance for Cardiovascular phenotype. Last evaluated: 2026-01-02. Review status: criteria provided, single submitter. Criteria: Ambry Variant Classification Scheme 2023. Collection method: clinical testing. Allele origin: germline.
Comment: The p.K35Q variant (also known as c.103A>C), located in coding exon 1 of the SCN10A gene, results from an A to C substitution at nucleotide position 103. The lysine at codon 35 is replaced by glutamine, an amino acid with similar properties. This amino acid position is conserved. In addition, this alteration is predicted to be tolerated by in silico analysis. Based on the available evidence, the clinical significance of this variant remains unclear.